The following is an entry in ClinVar:

ClinVar aggregate classification (germline): Uncertain significance. Review status: criteria provided, multiple submitters, no conflicts (2 of 4 stars). 3 submissions from 3 submitters: Uncertain significance (3). Last evaluated 2025-02-15.

Conditions:
Inborn genetic diseases. Identifiers: MedGen C0950123, MeSH D030342.

Allele frequency attached by ClinVar (database versions not stated): gnomAD exomes below 0.00001; gnomAD 0.00001.

Submissions (3):

Ambry Genetics
Classification: Uncertain significance for Inborn genetic diseases. Last evaluated: 2025-02-15. Review status: criteria provided, single submitter. Criteria: Ambry Variant Classification Scheme 2023. Collection method: clinical testing. Allele origin: germline.
Comment: The p.M1228V variant (also known as c.3682A>G), located in coding exon 1 of the SAMD9L gene, results from an A to G substitution at nucleotide position 3682. The methionine at codon 1228 is replaced by valine, an amino acid with highly similar properties. This amino acid position is conserved. In addition, this alteration is predicted to be tolerated by in silico analysis. Based on the available evidence, the clinical significance of this variant remains unclear.

Labcorp Genetics (formerly Invitae), Labcorp
Classification: Uncertain significance. Last evaluated: 2024-04-15. Review status: criteria provided, single submitter. Criteria: Invitae Variant Classification Sherloc (09022015). Collection method: clinical testing. Allele origin: germline.
Comment: This sequence change replaces methionine, which is neutral and non-polar, with valine, which is neutral and non-polar, at codon 1228 of the SAMD9L protein (p.Met1228Val). This variant is not present in population databases (gnomAD no frequency). This variant has not been reported in the literature in individuals affected with SAMD9L-related conditions. ClinVar contains an entry for this variant (Variation ID: 2578122). Advanced modeling of protein sequence and biophysical properties (such as structural, functional, and spatial information, amino acid conservation, physicochemical variation, residue mobility, and thermodynamic stability) performed at Invitae indicates that this missense variant is not expected to disrupt SAMD9L protein function with a negative predictive value of 80%. In summary, the available evidence is currently insufficient to determine the role of this variant in disease. Therefore, it has been classified as a Variant of Uncertain Significance.

GeneDx
Classification: Uncertain significance. Last evaluated: 2023-02-28. Review status: criteria provided, single submitter. Criteria: GeneDx Variant Classification Process June 2021. Collection method: clinical testing. Allele origin: germline. Affected: yes.
Comment: Not observed at significant frequency in large population cohorts (gnomAD); In silico analysis supports that this missense variant does not alter protein structure/function; Has not been previously published as pathogenic or benign to our knowledge

NM_152703.5(SAMD9L):c.3682A>G (p.Met1228Val)

Gene: SAMD9L (sterile alpha motif domain containing 9 like; minus strand). Cytogenetic location: 7q21.2.
Variant type: single nucleotide variant.
Coding change: c.3682A>G on transcript NM_152703.5 (MANE Select); coding-DNA position 3682, A replaced by G.
Protein change: p.Met1228Val; replaces methionine 1228 with valine.
Molecular consequence: missense variant.
Genome position (GRCh38, 1-based): chr7:93,132,290, T>C on the plus strand (A>G on the coding strand, the complement: SAMD9L is on the minus strand). VCF-style: chr7-93132290-T-C. GRCh37 (hg19) VCF-style: chr7-92761603-T-C.
Other names: c.3682A>G (NM_152703.2); c.3682A>G, p.Met1228Val (NM_001303496.3, NM_001303497.3, NM_001303498.3 and 5 more transcripts); short protein forms M1228V.
Identifiers: ClinVar variation 2578122 (VCV002578122.4), dbSNP rs2116476979, ClinGen allele CA368180596.